The following is an entry in ClinVar:

ClinVar aggregate classification (germline): Uncertain significance. Review status: criteria provided, multiple submitters, no conflicts (2 of 4 stars). 2 submissions from 2 submitters: Uncertain significance (2). Last evaluated 2024-04-25.

Conditions:
Infantile neuroaxonal dystrophy (NBIA2A). Also called: NEURODEGENERATION WITH BRAIN IRON ACCUMULATION 2A; SEITELBERGER DISEASE; Infantile neuroaxonal dystrophy 1. Identifiers: Orphanet 35069, MedGen C0270724, MONDO:0024457, OMIM 256600.

Allele frequency attached by ClinVar (database versions not stated): ExAC 0.00002; gnomAD 0.00003; TOPMed 0.00003.
gnomAD v4.1: 174 of 1,614,092 alleles (0.011%); highest among the groups gnomAD compares: Non-Finnish European, 0.014%; no homozygotes.

Submissions (2):

Mayo Clinic Laboratories, Mayo Clinic
Classification: Uncertain significance. Last evaluated: 2024-04-25. Review status: criteria provided, single submitter. Criteria: ACMG Guidelines, 2015. Collection method: clinical testing. Allele origin: germline. Observed: 1 variant allele.
Comment: BP4, PM2

Labcorp Genetics (formerly Invitae), Labcorp
Classification: Uncertain significance for Infantile neuroaxonal dystrophy. Last evaluated: 2022-03-18. Review status: criteria provided, single submitter. Criteria: Invitae Variant Classification Sherloc (09022015). Collection method: clinical testing. Allele origin: germline.
Comment: This sequence change replaces serine, which is neutral and polar, with asparagine, which is neutral and polar, at codon 35 of the PLA2G6 protein (p.Ser35Asn). This variant is present in population databases (rs200683835, gnomAD 0.007%). This variant has not been reported in the literature in individuals affected with PLA2G6-related conditions. Advanced modeling of protein sequence and biophysical properties (such as structural, functional, and spatial information, amino acid conservation, physicochemical variation, residue mobility, and thermodynamic stability) performed at Invitae indicates that this missense variant is not expected to disrupt PLA2G6 protein function. In summary, the available evidence is currently insufficient to determine the role of this variant in disease. Therefore, it has been classified as a Variant of Uncertain Significance.

NM_003560.4(PLA2G6):c.104G>A (p.Ser35Asn)

Gene: PLA2G6 (phospholipase A2 group VI; minus strand). Cytogenetic location: 22q13.1.
Variant type: single nucleotide variant.
Coding change: c.104G>A on transcript NM_003560.4 (MANE Select); coding-DNA position 104, G replaced by A.
Protein change: p.Ser35Asn; replaces serine 35 with asparagine.
Molecular consequence: missense variant. On other transcripts: 5 prime UTR variant (3).
Genome position (GRCh38, 1-based): chr22:38,169,323, C>T on the plus strand (G>A on the coding strand, the complement: PLA2G6 is on the minus strand). VCF-style: chr22-38169323-C-T. GRCh37 (hg19) VCF-style: chr22-38565330-C-T.
Other names: p.Ser35Asn; c.104G>A, p.Ser35Asn (NM_001004426.3, NM_001199562.3, NM_001349864.2 and 2 more transcripts); c.-562G>A (NM_001349867.2, NM_001349869.2); c.-387G>A (NM_001349868.2); short protein forms S35N.
Identifiers: ClinVar variation 2079250 (VCV002079250.2), dbSNP rs200683835, ClinGen allele CA10231374.
Genomic context (GRCh38, chr22:38,169,323, plus strand): 5'-CAGGTGCGGTTGGGAGTGTTCTGGAACAGAATCAGCTGCCCTTCCTCCCGAACTCGGTCA[C>T]TCGAGGTGTAGTCGGCCACAGCCACCTCCTTCACCCGGAATGGGTTAGAGAACAAGTTGG-3'
Protein context (NP_003551.2, residues 25-45): KEVAVADYTS[Ser35Asn]DRVREEGQLI